The following is an entry in ClinVar:

ClinVar aggregate classification (germline): Pathogenic/Likely pathogenic. Review status: criteria provided, multiple submitters, no conflicts (2 of 4 stars). 4 submissions from 4 submitters: Pathogenic (2); Likely pathogenic (2). Last evaluated 2023-03-20.

Conditions:
RASopathy. Also called: Noonan spectrum disorder; rasopathies. Identifiers: Orphanet 536391, MedGen C5555857, MONDO:0021060.
Noonan syndrome 1 (NS1). Also called: FEMALE PSEUDO-TURNER SYNDROME; PTPN11-Related Noonan Syndrome; TURNER PHENOTYPE WITH NORMAL KARYOTYPE. Identifiers: Orphanet 648, MedGen C4551602, MONDO:0008104, OMIM 163950. Disease mechanism: gain of function.

Submissions (4):

Labcorp Genetics (formerly Invitae), Labcorp
Classification: Likely pathogenic for RASopathy. Last evaluated: 2023-03-20. Review status: criteria provided, single submitter. Criteria: Invitae Variant Classification Sherloc (09022015). Collection method: clinical testing. Allele origin: germline.
Comment: This variant is not present in population databases (gnomAD no frequency). This sequence change replaces threonine, which is neutral and polar, with proline, which is neutral and non-polar, at codon 73 of the PTPN11 protein (p.Thr73Pro). This variant has not been reported in the literature in individuals affected with PTPN11-related conditions. ClinVar contains an entry for this variant (Variation ID: 40501). Advanced modeling of protein sequence and biophysical properties (such as structural, functional, and spatial information, amino acid conservation, physicochemical variation, residue mobility, and thermodynamic stability) performed at Invitae indicates that this missense variant is expected to disrupt PTPN11 protein function. This variant disrupts the p.Thr73Ile amino acid residue in PTPN11. Other variant(s) that disrupt this residue have been determined to be pathogenic (PMID: 11992261, 14644997, 15240615, 15928039, 17020470, 17339163). This suggests that this residue is clinically significant, and that variants that disrupt this residue are likely to be disease-causing. In summary, the currently available evidence indicates that the variant is pathogenic, but additional data are needed to prove that conclusively. Therefore, this variant has been classified as Likely Pathogenic.

3billion
Classification: Pathogenic for Noonan syndrome 1. Last evaluated: 2023-02-23. Review status: criteria provided, single submitter. Criteria: ACMG Guidelines, 2015. Collection method: clinical testing. Allele origin: unknown. Affected: yes.
Comment: The variant is not observed in the gnomAD v2.1.1 dataset. The variant is located in a mutational hot spot and/or well-established functional domain in which established pathogenic variants have been reported. Missense changes are a common disease-causing mechanism. In silico tool predictions suggest damaging effect of the variant on gene or gene product (REVEL: 0.97; 3Cnet: 1.00). Same nucleotide change resulting in same amino acid change (ClinVar ID: VCV000040501) and different missense changes at the same codon (p.Thr73Ile, p.Thr73Leu / ClinVar ID: VCV000013334, VCV000044604) have been previously reported as pathogenic/likely pathogenic with strong evidence. Therefore, this variant is classified as Pathogenic according to the recommendation of ACMG/AMP guideline.

AiLife Diagnostics
Classification: Likely pathogenic. Last evaluated: 2021-12-08. Review status: criteria provided, single submitter. Criteria: ACMG Guidelines, 2015. Collection method: clinical testing. Allele origin: germline. Affected: yes. Observed: 1 variant allele.

GeneDx
Classification: Pathogenic. Last evaluated: 2013-02-07. Review status: criteria provided, single submitter. Criteria: GeneDx Variant Classification (06012015). Collection method: clinical testing. Allele origin: germline. Affected: yes.
Comment: The T73P mutation has not been reported as a disease-causing mutation or as a benign polymorphism, to our knowledge. A different missense mutation at this codon (T73I) has been reported previously in association with Noonan syndrome and in a single patient reported to have Noonan-like/multiple giant cell lesion syndrome (NS/MGCLS) (Tartaglia et al., 2002; Bufalino et al., 2010). Additionally, T73I is the most common mutation found in infants with Noonan syndrome / Myeloproliferative disease (MPD), having been identified in 8 out of 19 children studied (Kratz et al., 2005). The T73P missense change is a non-conservative amino acid substitution that affects a highly evolutionarily conserved residue within a known functional domain of the PTPN11 protein. As another missense mutation at this codon has also been published in association with PTPN11-related disorders, T73P is interpreted as a disease-causing mutation.The variant is found in NOONAN panel(s).

Literature cited by the submitters: PubMed 11992261 (cited by Labcorp Genetics (formerly Invitae), Labcorp); PubMed 14644997 (cited by Labcorp Genetics (formerly Invitae), Labcorp); PubMed 15240615 (cited by Labcorp Genetics (formerly Invitae), Labcorp); PubMed 15928039 (cited by Labcorp Genetics (formerly Invitae), Labcorp); PubMed 17020470 (cited by Labcorp Genetics (formerly Invitae), Labcorp); PubMed 17339163 (cited by Labcorp Genetics (formerly Invitae), Labcorp); PubMed 29493581 (cited by 3billion).

NM_002834.5(PTPN11):c.217A>C (p.Thr73Pro)

Gene: PTPN11 (protein tyrosine phosphatase non-receptor type 11; plus strand). Cytogenetic location: 12q24.13.
Variant type: single nucleotide variant.
Coding change: c.217A>C on transcript NM_002834.5 (MANE Select); coding-DNA position 217, A replaced by C.
Protein change: p.Thr73Pro; replaces threonine 73 with proline.
Molecular consequence: missense variant.
Genome position (GRCh38, 1-based): chr12:112,450,397, A>C. VCF-style: chr12-112450397-A-C. GRCh37 (hg19) VCF-style: chr12-112888201-A-C.
Other names: p.T73P:ACT>CCT; c.217A>C, p.Thr73Pro (NM_001330437.2, NM_080601.3); c.214A>C, p.Thr72Pro (NM_001374625.1); short protein forms T73P, T72P.
Identifiers: ClinVar variation 40501 (VCV000040501.7), dbSNP rs397507513, ClinGen allele CA282079.
Genomic context (GRCh38, chr12:112,450,397, plus strand): 5'-CACATCAAGATTCAGAACACTGGTGATTACTATGACCTGTATGGAGGGGAGAAATTTGCC[A>C]CTTTGGCTGAGTTGGTCCAGTATTACATGGAACATCACGGGCAATTAAAAGAGAAGAATG-3'
Protein context (NP_002825.3, residues 63-83): YDLYGGEKFA[Thr73Pro]LAELVQYYME